The following is an entry in ClinVar:

ClinVar aggregate classification (germline): Uncertain significance (1 of 4 stars; one submission).

gnomAD v4.1: 1 of 1,614,118 alleles (0.000062%); highest among the groups gnomAD compares: Non-Finnish European, 0.000085%; no homozygotes.

Submission:

Labcorp Genetics (formerly Invitae), Labcorp
Classification: Uncertain significance. Last evaluated: 2025-12-29. Review status: criteria provided, single submitter. Criteria: Invitae Variant Classification Sherloc (09022015). Collection method: clinical testing. Allele origin: germline.
Comment: This sequence change replaces valine, which is neutral and non-polar, with leucine, which is neutral and non-polar, at codon 2075 of the KMT2A protein (p.Val2075Leu). This variant is not present in population databases (gnomAD no frequency). This variant has not been reported in the literature in individuals affected with KMT2A-related conditions. Invitae Evidence Modeling of protein sequence and biophysical properties (such as structural, functional, and spatial information, amino acid conservation, physicochemical variation, residue mobility, and thermodynamic stability) indicates that this missense variant is not expected to disrupt KMT2A protein function with a negative predictive value of 95%. In summary, the available evidence is currently insufficient to determine the role of this variant in disease. Therefore, it has been classified as a Variant of Uncertain Significance.

NM_001197104.2(KMT2A):c.6223G>C (p.Val2075Leu)

Gene: KMT2A (lysine methyltransferase 2A; plus strand). Cytogenetic location: 11q23.3.
Variant type: single nucleotide variant.
Coding change: c.6223G>C on transcript NM_001197104.2 (MANE Select); coding-DNA position 6223, G replaced by C.
Protein change: p.Val2075Leu; replaces valine 2075 with leucine.
Molecular consequence: missense variant.
Genome position (GRCh38, 1-based): chr11:118,501,051, G>C. VCF-style: chr11-118501051-G-C. GRCh37 (hg19) VCF-style: chr11-118371766-G-C.
Other names: c.6313G>C, p.Val2105Leu (NM_001412597.1); c.6214G>C, p.Val2072Leu (NM_005933.4); short protein forms V2072L, V2075L, V2105L.
Identifiers: ClinVar variation 4800548 (VCV004800548.1).
Genomic context (GRCh38, chr11:118,501,051, plus strand): 5'-TCCAGGGTATACTGGAGCACCACAGATGCTCGCAAGCGCTGTGTATATACATGCAAGATA[G>C]TGGAGTGCCGTCCTCCAGTCGTAGAGCCGGATATCAACAGCACTGTTGAACATGATGAAA-3'
Protein context (NP_001184033.1, residues 2065-2085): RKRCVYTCKI[Val2075Leu]ECRPPVVEPD